The following is an entry in ClinVar:

ClinVar aggregate classification (germline): Uncertain significance (1 of 4 stars; one submission).

Conditions:
Inborn genetic diseases. Identifiers: MedGen C0950123, MeSH D030342.

gnomAD v4.1: 1 of 1,611,910 alleles (0.000062%); highest among the groups gnomAD compares: Non-Finnish European, 0.000085%; no homozygotes.

Submission:

Ambry Genetics
Classification: Uncertain significance for Inborn genetic diseases. Last evaluated: 2025-01-18. Review status: criteria provided, single submitter. Criteria: Ambry Variant Classification Scheme 2023. Collection method: clinical testing. Allele origin: germline.
Comment: The p.Q707R variant (also known as c.2120A>G), located in coding exon 12 of the FANCM gene, results from an A to G substitution at nucleotide position 2120. The glutamine at codon 707 is replaced by arginine, an amino acid with highly similar properties. This amino acid position is conserved. In addition, this alteration is predicted to be tolerated by in silico analysis. Based on the available evidence, the clinical significance of this variant remains unclear.

NM_020937.4(FANCM):c.2120A>G (p.Gln707Arg)

Gene: FANCM (FA complementation group M; plus strand). Cytogenetic location: 14q21.2.
Variant type: single nucleotide variant.
Coding change: c.2120A>G on transcript NM_020937.4 (MANE Select); coding-DNA position 2120, A replaced by G.
Protein change: p.Gln707Arg; replaces glutamine 707 with arginine.
Molecular consequence: missense variant.
Genome position (GRCh38, 1-based): chr14:45,170,706, A>G. VCF-style: chr14-45170706-A-G. GRCh37 (hg19) VCF-style: chr14-45639909-A-G.
Other names: c.2042A>G, p.Gln681Arg (NM_001308133.2); short protein forms Q707R, Q681R.
Identifiers: ClinVar variation 3848643 (VCV003848643.1).